The following is an entry in ClinVar:

NM_000535.7(PMS2):c.549A>T (p.Lys183Asn)

Gene: PMS2 (PMS1 homolog 2, mismatch repair system component; minus strand). Cytogenetic location: 7p22.1.
Variant type: single nucleotide variant.
Coding change: c.549A>T on transcript NM_000535.7 (MANE Select); coding-DNA position 549, A replaced by T.
Protein change: p.Lys183Asn; replaces lysine 183 with asparagine.
Molecular consequence: missense variant. On other transcripts: non-coding transcript variant (1), intron variant (9).
Genome position (GRCh38, 1-based): chr7:5,999,264, T>A on the plus strand (A>T on the coding strand, the complement: PMS2 is on the minus strand). VCF-style: chr7-5999264-T-A. GRCh37 (hg19) VCF-style: chr7-6038895-T-A.
Other names: c.144A>T, p.Lys48Asn (NM_001322003.2, NM_001322004.2, NM_001322005.2 and 21 more transcripts); c.549A>T, p.Lys183Asn (NM_001322006.2, NM_001322014.2, NM_001406869.1 and 5 more transcripts); c.231A>T, p.Lys77Asn (NM_001322007.2, NM_001322008.2, NM_001406876.1 and 4 more transcripts); c.240A>T, p.Lys80Asn (NM_001322015.2, NM_001406875.1, NM_001406877.1 and 6 more transcripts); c.735A>T, p.Lys245Asn (NM_001406866.1); c.573A>T, p.Lys191Asn (NM_001406868.1); c.132+3189A>T (NM_001406911.1); c.133-1841A>T (NM_001322013.2, NM_001406909.1); and 4 more; short protein forms K183N, K191N, K245N, K48N, K77N, K80N.
Identifiers: ClinVar variation 4862112 (VCV004862112.1).

ClinVar aggregate classification (germline): Uncertain significance (1 of 4 stars; one submission).

Conditions:
Hereditary cancer-predisposing syndrome. Also called: Neoplastic Syndromes, Hereditary; Tumor predisposition; Hereditary Cancer Syndrome; Hereditary neoplastic syndrome. Identifiers: Orphanet 140162, MedGen C0027672, MeSH D009386, MONDO:0015356.

Submission:

Ambry Genetics
Classification: Uncertain significance for Hereditary cancer-predisposing syndrome. Last evaluated: 2026-04-23. Review status: criteria provided, single submitter. Criteria: Ambry Variant Classification Scheme 2023. Collection method: clinical testing. Allele origin: germline.
Comment: The p.K183N variant (also known as c.549A>T), located in coding exon 6 of the PMS2 gene, results from an A to T substitution at nucleotide position 549. The lysine at codon 183 is replaced by asparagine, an amino acid with similar properties. This amino acid position is conserved. In addition, the in silico prediction for this alteration is inconclusive. Based on the available evidence, the clinical significance of this variant remains unclear.